The following is an entry in ClinVar:

NM_194277.3(FRMD7):c.775G>T (p.Ala259Ser)

Gene: FRMD7 (FERM domain containing 7; minus strand). Cytogenetic location: Xq26.2.
Variant type: single nucleotide variant.
Coding change: c.775G>T on transcript NM_194277.3 (MANE Select); coding-DNA position 775, G replaced by T.
Protein change: p.Ala259Ser; replaces alanine 259 with serine.
Molecular consequence: missense variant.
Genome position (GRCh38, 1-based): chrX:132,082,493, C>A on the plus strand (G>T on the coding strand, the complement: FRMD7 is on the minus strand). VCF-style: chrX-132082493-C-A. GRCh37 (hg19) VCF-style: chrX-131216521-C-A.
Other names: c.730G>T, p.Ala244Ser (NM_001306193.2); short protein forms A259S, A244S.
Identifiers: ClinVar variation 2968901 (VCV002968901.4), dbSNP rs2520732107, ClinGen allele CA414680601.
Genomic context (GRCh38, chrX:132,082,493, plus strand): 5'-TGAAGAAAGCATGGTATTCCACACAAGTCTTCCAGAAAGCCTTGCAGGCATCTCGGCTGG[C>A]CATGGTGAACTCCAAGGTATCCTTGCACAACACCTGTATAAACCAATTTCCATTAAGTAA-3'
Protein context (NP_919253.1, residues 249-269): LCKDTLEFTM[Ala259Ser]SRDACKAFWK

ClinVar aggregate classification (germline): Uncertain significance. Review status: criteria provided, multiple submitters, no conflicts (2 of 4 stars). 2 submissions from 2 submitters: Uncertain significance (2). Last evaluated 2023-03-27.

Submissions (2):

Labcorp Genetics (formerly Invitae), Labcorp
Classification: Uncertain significance. Last evaluated: 2023-03-27. Review status: criteria provided, single submitter. Criteria: Invitae Variant Classification Sherloc (09022015). Collection method: clinical testing. Allele origin: germline.
Comment: In summary, the available evidence is currently insufficient to determine the role of this variant in disease. Therefore, it has been classified as a Variant of Uncertain Significance. An algorithm developed to predict the effect of missense changes on protein structure and function (PolyPhen-2) suggests that this variant is likely to be disruptive. This sequence change replaces alanine, which is neutral and non-polar, with serine, which is neutral and polar, at codon 259 of the FRMD7 protein (p.Ala259Ser). This variant is not present in population databases (gnomAD no frequency). This variant has not been reported in the literature in individuals affected with FRMD7-related conditions.

Blueprint Genetics
Classification: Uncertain significance. Last evaluated: 2020-08-17. Review status: criteria provided, single submitter. Criteria: ACMG Guidelines, 2015. Collection method: clinical testing. Allele origin: germline.